The following is an entry in ClinVar:

NM_001130987.2(DYSF):c.4961A>G (p.Gln1654Arg)

Gene: DYSF (dysferlin; plus strand). Cytogenetic location: 2p13.2.
Variant type: single nucleotide variant.
Coding change: c.4961A>G on transcript NM_001130987.2 (MANE Select); coding-DNA position 4961, A replaced by G.
Protein change: p.Gln1654Arg; replaces glutamine 1654 with arginine.
Molecular consequence: missense variant.
Genome position (GRCh38, 1-based): chr2:71,660,609, A>G. VCF-style: chr2-71660609-A-G. GRCh37 (hg19) VCF-style: chr2-71887739-A-G.
Other names: c.4940A>G, p.Gln1647Arg (NM_001130982.2); c.4910A>G, p.Gln1637Arg (NM_001130983.2); c.4805A>G, p.Gln1602Arg (NM_001130986.2); c.4844A>G, p.Gln1615Arg (NM_003494.4); c.4868A>G, p.Gln1623Arg (NM_001130984.2); c.4898A>G, p.Gln1633Arg (NM_001130985.2); c.4847A>G, p.Gln1616Arg (NM_001130455.2); c.4802A>G, p.Gln1601Arg (NM_001130976.2); and 5 more; short protein forms Q1602R, Q1636R, Q1653R, Q1615R, Q1616R, Q1632R, Q1622R, Q1623R.
Identifiers: ClinVar variation 896012 (VCV000896012.5), dbSNP rs2094861025, ClinGen allele CA347220041.

ClinVar aggregate classification (germline): Uncertain significance. Review status: criteria provided, multiple submitters, no conflicts (2 of 4 stars). 2 submissions from 2 submitters: Uncertain significance (2). Last evaluated 2022-06-10.

Conditions:
Neuromuscular disease caused by qualitative or quantitative defects of dysferlin. Also called: Qualitative or quantitative defects of dysferlin; Dysferlinopathy. Identifiers: Orphanet 207073, MedGen C2931687, MONDO:0016145.

Submissions (2):

Labcorp Genetics (formerly Invitae), Labcorp
Classification: Uncertain significance for Neuromuscular disease caused by qualitative or quantitative defects of dysferlin. Last evaluated: 2022-06-10. Review status: criteria provided, single submitter. Criteria: Invitae Variant Classification Sherloc (09022015). Collection method: clinical testing. Allele origin: germline.
Comment: This sequence change replaces glutamine, which is neutral and polar, with arginine, which is basic and polar, at codon 1615 of the DYSF protein (p.Gln1615Arg). This variant is not present in population databases (gnomAD no frequency). This variant has not been reported in the literature in individuals affected with DYSF-related conditions. ClinVar contains an entry for this variant (Variation ID: 896012). Advanced modeling of protein sequence and biophysical properties (such as structural, functional, and spatial information, amino acid conservation, physicochemical variation, residue mobility, and thermodynamic stability) performed at Invitae indicates that this missense variant is not expected to disrupt DYSF protein function. In summary, the available evidence is currently insufficient to determine the role of this variant in disease. Therefore, it has been classified as a Variant of Uncertain Significance.

Illumina Laboratory Services, Illumina
Classification: Uncertain significance for Qualitative or quantitative defects of dysferlin. Last evaluated: 2018-03-30. Review status: criteria provided, single submitter. Criteria: ICSL Variant Classification Criteria 13 December 2019. Collection method: clinical testing. Allele origin: germline.